The following is an entry in ClinVar:

NM_001080.3(ALDH5A1):c.676G>A (p.Val226Met)

Gene: ALDH5A1 (aldehyde dehydrogenase 5 family member A1; plus strand). Cytogenetic location: 6p22.3.
Variant type: single nucleotide variant.
Coding change: c.676G>A on transcript NM_001080.3 (MANE Select); coding-DNA position 676, G replaced by A.
Protein change: p.Val226Met; replaces valine 226 with methionine.
Molecular consequence: missense variant.
Genome position (GRCh38, 1-based): chr6:24,504,935, G>A. VCF-style: chr6-24504935-G-A. GRCh37 (hg19) VCF-style: chr6-24505163-G-A.
Other names: c.676G>A, p.Val226Met (NM_001368954.1, NM_170740.1); short protein forms V226M.
Identifiers: ClinVar variation 571266 (VCV000571266.7), dbSNP rs770884090, ClinGen allele CA3656688.

ClinVar aggregate classification (germline): Uncertain significance (1 of 4 stars; one submission).

Conditions:
Succinate-semialdehyde dehydrogenase deficiency (SSADHD). Also called: 4-HYDROXYBUTYRIC ACIDURIA; SSADH DEFICIENCY; GABA METABOLIC DEFECT; Succinic Semialdehyde Dehydrogenase Deficiency. Identifiers: Orphanet 22, MedGen C0268631, MONDO:0010083, OMIM 271980.

Allele frequency attached by ClinVar (database versions not stated): TOPMed 0.00002; ExAC 0.00003; gnomAD 0.00004 and 0.00005; gnomAD exomes 0.00005.
gnomAD v4.1: 42 of 1,614,108 alleles (0.0026%); highest among the groups gnomAD compares: Non-Finnish European, 0.0018%; no homozygotes.

Submission:

Labcorp Genetics (formerly Invitae), Labcorp
Classification: Uncertain significance for Succinate-semialdehyde dehydrogenase deficiency. Last evaluated: 2024-05-06. Review status: criteria provided, single submitter. Criteria: Invitae Variant Classification Sherloc (09022015). Collection method: clinical testing. Allele origin: germline.
Comment: This sequence change replaces valine, which is neutral and non-polar, with methionine, which is neutral and non-polar, at codon 226 of the ALDH5A1 protein (p.Val226Met). This variant is present in population databases (rs770884090, gnomAD 0.03%). This variant has not been reported in the literature in individuals affected with ALDH5A1-related conditions. ClinVar contains an entry for this variant (Variation ID: 571266). Advanced modeling of protein sequence and biophysical properties (such as structural, functional, and spatial information, amino acid conservation, physicochemical variation, residue mobility, and thermodynamic stability) has been performed at Invitae for this missense variant, however the output from this modeling did not meet the statistical confidence thresholds required to predict the impact of this variant on ALDH5A1 protein function. In summary, the available evidence is currently insufficient to determine the role of this variant in disease. Therefore, it has been classified as a Variant of Uncertain Significance.